The following is an entry in ClinVar:

NM_005732.4(RAD50):c.3580G>T (p.Ala1194Ser)

Genes: TH2-LCR (Th2 cytokine locus control region; plus strand), TH2LCRR (T helper type 2 locus control region associated RNA; minus strand), RAD50 (RAD50 double strand break repair protein; plus strand). Cytogenetic location: 5q31.1.
Variant type: single nucleotide variant.
Coding change: c.3580G>T on transcript NM_005732.4 (MANE Select); coding-DNA position 3580, G replaced by T.
Protein change: p.Ala1194Ser; replaces alanine 1194 with serine.
Molecular consequence: missense variant. On other transcripts: non-coding transcript variant (3).
Genome position (GRCh38, 1-based): chr5:132,638,185, G>T. VCF-style: chr5-132638185-G-T. GRCh37 (hg19) VCF-style: chr5-131973877-G-T.
Other names: short protein forms A1194S.
Identifiers: ClinVar variation 1732897 (VCV001732897.2), dbSNP rs1271461751, ClinGen allele CA360932170.

ClinVar aggregate classification (germline): Uncertain significance (1 of 4 stars; one submission).

Conditions:
Hereditary cancer-predisposing syndrome. Also called: Neoplastic Syndromes, Hereditary; Tumor predisposition; Hereditary Cancer Syndrome; Hereditary neoplastic syndrome. Identifiers: Orphanet 140162, MedGen C0027672, MeSH D009386, MONDO:0015356.

Submission:

Ambry Genetics
Classification: Uncertain significance for Hereditary cancer-predisposing syndrome. Last evaluated: 2021-10-21. Review status: criteria provided, single submitter. Criteria: Ambry Variant Classification Scheme 2023. Collection method: clinical testing. Allele origin: germline.
Comment: The p.A1194S variant (also known as c.3580G>T), located in coding exon 23 of the RAD50 gene, results from a G to T substitution at nucleotide position 3580. The alanine at codon 1194 is replaced by serine, an amino acid with similar properties. This amino acid position is conserved. In addition, this alteration is predicted to be tolerated by in silico analysis. Since supporting evidence is limited at this time, the clinical significance of this alteration remains unclear.